The following is an entry in ClinVar:

ClinVar aggregate classification (germline): Uncertain significance (1 of 4 stars; one submission).

Submission:

Ambry Genetics
Classification: Uncertain significance. Last evaluated: 2026-06-02. Review status: criteria provided, single submitter. Criteria: Ambry Variant Classification Scheme 2023. Collection method: clinical testing. Allele origin: germline.
Comment: The p.E402V variant (also known as c.1205A>T), located in coding exon 1 of the MLH3 gene, results from an A to T substitution at nucleotide position 1205. The glutamic acid at codon 402 is replaced by valine, an amino acid with dissimilar properties. This amino acid position is highly conserved in available vertebrate species. In addition, the in silico prediction for this alteration is inconclusive. Based on the available evidence, the clinical significance of this variant remains unclear.

NM_001040108.2(MLH3):c.1205A>T (p.Glu402Val)

Gene: MLH3 (mutL homolog 3; minus strand). Cytogenetic location: 14q24.3.
Variant type: single nucleotide variant.
Coding change: c.1205A>T on transcript NM_001040108.2 (MANE Select); coding-DNA position 1205, A replaced by T.
Protein change: p.Glu402Val; replaces glutamic acid 402 with valine.
Molecular consequence: missense variant.
Genome position (GRCh38, 1-based): chr14:75,048,451, T>A on the plus strand (A>T on the coding strand, the complement: MLH3 is on the minus strand). VCF-style: chr14-75048451-T-A. GRCh37 (hg19) VCF-style: chr14-75515154-T-A.
Other names: c.1205A>T, p.Glu402Val (NM_014381.3); short protein forms E402V.
Identifiers: ClinVar variation 4860219 (VCV004860219.1).